The following is an entry in ClinVar:

ClinVar aggregate classification (germline): Uncertain significance (1 of 4 stars; one submission).

Submission:

Labcorp Genetics (formerly Invitae), Labcorp
Classification: Uncertain significance. Last evaluated: 2024-10-19. Review status: criteria provided, single submitter. Criteria: Invitae Variant Classification Sherloc (09022015). Collection method: clinical testing. Allele origin: germline.
Comment: This sequence change falls in intron 4 of the ANXA11 gene. It does not directly change the encoded amino acid sequence of the ANXA11 protein. It affects a nucleotide within the consensus splice site. This variant is not present in population databases (gnomAD no frequency). This variant has been observed in individual(s) with amyotrophic lateral sclerosis (internal data). Variants that disrupt the consensus splice site are a relatively common cause of aberrant splicing (PMID: 17576681, 9536098). Algorithms developed to predict the effect of sequence changes on RNA splicing suggest that this variant may disrupt the consensus splice site. In summary, the available evidence is currently insufficient to determine the role of this variant in disease. Therefore, it has been classified as a Variant of Uncertain Significance.

Literature cited by the submitters: PubMed 17576681; PubMed 9536098.

NM_145868.2(ANXA11):c.561+4_561+7del

Gene: ANXA11 (annexin A11; minus strand). Cytogenetic location: 10q22.3.
Variant type: Deletion.
Coding change: c.561+4_561+7del on transcript NM_145868.2 (MANE Select); bases 4 to 7 of the intron after coding-DNA position 561, 4 bases deleted (AGTG; older notation c.561+4_561+7delAGTG).
Molecular consequence: splice donor variant.
Genome position (GRCh38, 1-based): chr10:80,168,962-80,168,965, CACT deleted on the plus strand (AGTG on the coding strand, the reverse complement: ANXA11 is on the minus strand); deleting any 4 consecutive bases within chr10:80,168,962-80,168,968 gives the same sequence; the c. name uses the placement nearest the transcript's 3' end. VCF-style (leftmost placement, unchanged base first): chr10-80168961-ACACT-A. GRCh37 (hg19) VCF-style: chr10-81928717-ACACT-A.
Other names: c.561+4_561+7del (NM_001278407.2, NM_001157.3, NM_145869.2 and 1 more transcripts); c.462+4_462+7del (NM_001278409.2).
Identifiers: ClinVar variation 3673194 (VCV003673194.2).